The following is an entry in ClinVar:

NM_001161352.2(KCNMA1):c.1967A>C (p.Glu656Ala)

Gene: KCNMA1 (potassium calcium-activated channel subfamily M alpha 1; minus strand). Cytogenetic location: 10q22.3.
Variant type: single nucleotide variant.
Coding change: c.1967A>C on transcript NM_001161352.2 (MANE Select); coding-DNA position 1967, A replaced by C.
Protein change: p.Glu656Ala; replaces glutamic acid 656 with alanine.
Molecular consequence: missense variant.
Genome position (GRCh38, 1-based): chr10:77,019,061, T>G on the plus strand (A>C on the coding strand, the complement: KCNMA1 is on the minus strand). VCF-style: chr10-77019061-T-G. GRCh37 (hg19) VCF-style: chr10-78778819-T-G.
Other names: c.1979A>C, p.Glu660Ala (NM_001014797.3, NM_001322830.2, NM_001322835.2 and 1 more transcripts); c.1967A>C, p.Glu656Ala (NM_001161353.2, NM_001271519.2, NM_001322829.2 and 3 more transcripts); c.1817A>C, p.Glu606Ala (NM_001271518.2); c.1427A>C, p.Glu476Ala (NM_001322838.2); c.1967A>C (NM_002247.3); short protein forms E476A, E606A, E656A, E660A.
Identifiers: ClinVar variation 1496664 (VCV001496664.10), dbSNP rs917980352, ClinGen allele CA210090996.
Genomic context (GRCh38, chr10:77,019,061, plus strand): 5'-ATAAACTCTTACCTTTTAACTTCTTTGGCATCACTTGCGATGAAAAATCCTAAAGTACCT[T>G]CTTGGATCTTAAGATGGTTTCCAGGATTAATTAATATACTGCTCAGTGAACAAAAACAAA-3'
Protein context (NP_001154824.1, residues 646-666): INPGNHLKIQ[Glu656Ala]GTLGFFIASD

ClinVar aggregate classification (germline): Uncertain significance. Review status: criteria provided, multiple submitters, no conflicts (2 of 4 stars). 3 submissions from 3 submitters: Uncertain significance (3). Last evaluated 2026-09-01.

Conditions:
Generalized epilepsy-paroxysmal dyskinesia syndrome (PNKD3). Also called: Generalized epilepsy and paroxysmal dyskinesia; Paroxysmal nonkinesigenic dyskinesia, 3, with or without generalized epilepsy. Identifiers: Orphanet 79137, MedGen C5574945, MONDO:0012276, OMIM 609446.
Inborn genetic diseases. Identifiers: MedGen C0950123, MeSH D030342.

Allele frequency attached by ClinVar (database versions not stated): gnomAD exomes below 0.00001 and 0.00001.
gnomAD v4.1: 7 of 1,594,744 alleles (0.00044%); highest among the groups gnomAD compares: Admixed American, 0.005%; no homozygotes.

Submissions (3):

CeGaT Center for Human Genetics Tuebingen
Classification: Uncertain significance. Last evaluated: 2026-09-01. Review status: criteria provided, single submitter. Criteria: CeGaT Center For Human Genetics Tuebingen Variant Classification Criteria Version 2. Collection method: clinical testing. Allele origin: germline. Affected: yes. Observed: 1 variant allele.
Comment: KCNMA1: PS4:Moderate, PM2:Supporting, PM6:Supporting, PP2

Labcorp Genetics (formerly Invitae), Labcorp
Classification: Uncertain significance for Generalized epilepsy-paroxysmal dyskinesia syndrome. Last evaluated: 2025-09-03. Review status: criteria provided, single submitter. Criteria: Invitae Variant Classification Sherloc (09022015). Collection method: clinical testing. Allele origin: germline.
Comment: This sequence change replaces glutamic acid, which is acidic and polar, with alanine, which is neutral and non-polar, at codon 656 of the KCNMA1 protein (p.Glu656Ala). This variant is present in population databases (no rsID available, gnomAD 0.009%). This missense change has been observed in individual(s) with clinical features of KCNMA1-related disorders (PMID: 29330545, 34224328). ClinVar contains an entry for this variant (Variation ID: 1496664). Invitae Evidence Modeling of protein sequence and biophysical properties (such as structural, functional, and spatial information, amino acid conservation, physicochemical variation, residue mobility, and thermodynamic stability) indicates that this missense variant is not expected to disrupt KCNMA1 protein function with a negative predictive value of 80%. Experimental studies are conflicting or provide insufficient evidence to determine the effect of this variant on KCNMA1 function (PMID: 29330545, 38042986). In summary, the available evidence is currently insufficient to determine the role of this variant in disease. Therefore, it has been classified as a Variant of Uncertain Significance.

Ambry Genetics
Classification: Uncertain significance for Inborn genetic diseases. Last evaluated: 2021-09-27. Review status: criteria provided, single submitter. Criteria: Ambry Variant Classification Scheme 2023. Collection method: clinical testing. Allele origin: germline.
Comment: The c.1967A>C (p.E656A) alteration is located in exon 17 (coding exon 17) of the KCNMA1 gene. This alteration results from an A to C substitution at nucleotide position 1967, causing the glutamic acid (E) at amino acid position 656 to be replaced by an alanine (A). Based on data from gnomAD, the C allele has an overall frequency of 0.0012% (3/250,564) total alleles studied. The highest observed frequency was 0.01% (3/34,540) of Latino alleles. This amino acid position is highly conserved in available vertebrate species. The in silico prediction for this alteration is inconclusive. Based on insufficient or conflicting evidence, the clinical significance of this alteration remains unclear.

Literature cited by the submitters: PubMed 29330545 (cited by Labcorp Genetics (formerly Invitae), Labcorp); PubMed 34224328 (cited by Labcorp Genetics (formerly Invitae), Labcorp); PubMed 38042986 (cited by Labcorp Genetics (formerly Invitae), Labcorp).